The following is an entry in ClinVar:

NM_170784.3(MKKS):c.-649+2430T>G

Genes: MKKS (MKKS centrosomal shuttling protein; minus strand), LOC128706665 (uncharacterized LOC128706665; minus strand), LOC128706666 (uncharacterized LOC128706666; minus strand). Cytogenetic location: 20p12.2.
Variant type: single nucleotide variant.
Coding change: c.-649+2430T>G on transcript NM_170784.3 (MANE Select); 2430 bases into the intron after 649 bases upstream of the start codon, T replaced by G.
Molecular consequence: intron variant.
Genome position (GRCh38, 1-based): chr20:10,431,678, A>C on the plus strand (T>G on the coding strand, the complement: MKKS is on the minus strand). VCF-style: chr20-10431678-A-C. GRCh37 (hg19) VCF-style: chr20-10412326-A-C.
Other names: c.-649+6T>G (NM_018848.3); c.-22+2430T>G (NM_001394148.2); c.-276+2430T>G (NM_001394149.2).
Identifiers: ClinVar variation 337709 (VCV000337709.5), dbSNP rs377246386, ClinGen allele CA10652352.
Genomic context (GRCh38, chr20:10,431,678, plus strand): 5'-CAAAATCATAGTTCTCATTTTTTCCTCTATCCTCCTCTGAATTAGTCTCAATCCATTTTT[A>C]CTTACTCCATCTTTAGTTACGGCAGGGAGTCAAGATCTAGAAAAACTAGTCACTGCCACC-3'

ClinVar aggregate classification (germline): Likely benign. Review status: criteria provided, single submitter (1 of 4 stars). 2 submissions from 1 submitter: Likely benign (2). Last evaluated 2018-01-13.

Conditions:
Bardet-Biedl syndrome 6 (BBS6). Identifiers: Orphanet 110, MedGen C1858054, MONDO:0011523, OMIM 605231.
McKusick-Kaufman syndrome (MKKS). Also called: HYDROMETROCOLPOS SYNDROME; HYDROMETROCOLPOS, POSTAXIAL POLYDACTYLY, AND CONGENITAL HEART MALFORMATION. Identifiers: Orphanet 2473, MedGen C0948368, MONDO:0009367, OMIM 236700.

Allele frequency attached by ClinVar (database versions not stated): gnomAD 0.00003 and 0.00080; TOPMed 0.00013; 1000 Genomes Project 30x 0.00265; 1000 Genomes Project 0.00300.

Submissions (2):

Illumina Laboratory Services, Illumina
Classification: Likely benign for Bardet-Biedl syndrome 6. Last evaluated: 2018-01-13. Review status: criteria provided, single submitter. Criteria: ICSL Variant Classification Criteria 13 December 2019. Collection method: clinical testing. Allele origin: germline.
Comment: This variant was observed in the ICSL laboratory as part of a predisposition screen in an ostensibly healthy population. It had not been previously curated by ICSL or reported in the Human Gene Mutation Database (HGMD: prior to June 1st, 2018), and was therefore a candidate for classification through an automated scoring system. Utilizing variant allele frequency, disease prevalence and penetrance estimates, and inheritance mode, an automated score was calculated to assess if this variant is too frequent to cause the disease. Based on the score and internal cut-off values, a variant classified as likely benign is not then subjected to further curation. The score for this variant resulted in a classification of likely benign for this disease.

Illumina Laboratory Services, Illumina
Classification: Likely benign for McKusick-Kaufman syndrome. Last evaluated: 2018-01-13. Review status: criteria provided, single submitter. Criteria: ICSL Variant Classification Criteria 13 December 2019. Collection method: clinical testing. Allele origin: germline.
Comment: the same text as in the submission from Illumina Laboratory Services, Illumina above.